The following is an entry in ClinVar:

NM_206996.4(SPAG17):c.5133T>C (p.Pro1711=)

Gene: SPAG17 (sperm associated antigen 17; minus strand). Cytogenetic location: 1p12.
Variant type: single nucleotide variant.
Coding change: c.5133T>C on transcript NM_206996.4 (MANE Select); coding-DNA position 5133, T replaced by C.
Protein change: p.Pro1711=; no amino-acid change (proline 1711 retained).
Molecular consequence: synonymous variant.
Genome position (GRCh38, 1-based): chr1:117,994,451, A>G on the plus strand (T>C on the coding strand, the complement: SPAG17 is on the minus strand). VCF-style: chr1-117994451-A-G. GRCh37 (hg19) VCF-style: chr1-118537074-A-G.
Identifiers: ClinVar variation 3060387 (VCV003060387.2), dbSNP rs12031260, ClinGen allele CA1033219.
Genomic context (GRCh38, chr1:117,994,451, plus strand): 5'-GAAGAAATTATATACCTCAACTGAGGGAAATGTTTCCCATGACCTTGACCGGAGATTAGG[A>G]GGGACAATTGTATCTTCCTTTTTTACTTGCCATGGTGATGCTTCATGGAAAGGGCGAAGG-3'
Protein context (NP_996879.1, residues 1701-1721): WQVKKEDTIV[Pro1711=]PNLRSRSWET

ClinVar aggregate classification (germline): Benign (0 of 4 stars; one submission).

Conditions:
SPAG17-related disorder. Also called: SPAG17-related condition.

Allele frequency attached by ClinVar (database versions not stated): ESP Exome Variant Server 0.05175; TOPMed 0.06319; gnomAD 0.06399; gnomAD exomes 0.06727; ExAC 0.08509; 1000 Genomes Project 30x 0.12211; 1000 Genomes Project 0.12839.
gnomAD v4.1: 108,758 of 1,612,560 alleles (6.7%); highest among the groups gnomAD compares: East Asian, 29%; 5,565 homozygotes.

Submission:

PreventionGenetics, part of Exact Sciences
Classification: Benign for SPAG17-related condition. Last evaluated: 2019-03-01. Review status: no assertion criteria provided. Collection method: clinical testing. Allele origin: germline.
Comment: This variant is classified as benign based on ACMG/AMP sequence variant interpretation guidelines (Richards et al. 2015 PMID: 25741868, with internal and published modifications).